The following is an entry in ClinVar:

NM_005633.4(SOS1):c.1042T>G (p.Tyr348Asp)

Gene: SOS1 (SOS Ras/Rac guanine nucleotide exchange factor 1; minus strand). Cytogenetic location: 2p22.1.
Variant type: single nucleotide variant.
Coding change: c.1042T>G on transcript NM_005633.4 (MANE Select); coding-DNA position 1042, T replaced by G.
Protein change: p.Tyr348Asp; replaces tyrosine 348 with aspartic acid.
Molecular consequence: missense variant.
Genome position (GRCh38, 1-based): chr2:39,035,244, A>C on the plus strand (T>G on the coding strand, the complement: SOS1 is on the minus strand). VCF-style: chr2-39035244-A-C. GRCh37 (hg19) VCF-style: chr2-39262385-A-C.
Other names: c.1021T>G, p.Tyr341Asp (NM_001382394.1); c.1042T>G, p.Tyr348Asp (NM_001382395.1); short protein forms Y341D, Y348D.
Identifiers: ClinVar variation 3361371 (VCV003361371.1).

ClinVar aggregate classification (germline): Uncertain significance (1 of 4 stars; one submission).

Submission:

GeneDx
Classification: Uncertain significance. Last evaluated: 2023-07-17. Review status: criteria provided, single submitter. Criteria: GeneDx Variant Classification Process June 2021. Collection method: clinical testing. Allele origin: germline. Affected: yes.
Comment: Not observed at significant frequency in large population cohorts (gnomAD); Missense variants in this gene are often considered pathogenic (HGMD); In silico analysis supports that this missense variant has a deleterious effect on protein structure/function; Has not been previously published as pathogenic or benign to our knowledge